The following is an entry in ClinVar:

ClinVar aggregate classification (germline): Likely benign. Review status: criteria provided, single submitter (1 of 4 stars). 2 submissions from 2 submitters: Likely benign (1). 1 of the submissions does not count toward it. Last evaluated 2022-01-08.

Conditions:
RYR1-related disorder. Also called: RYR1-related condition; RYR1-related disorders. Identifiers: MedGen CN239331.

Allele frequency attached by ClinVar (database versions not stated): gnomAD exomes below 0.00001; TOPMed below 0.00001; gnomAD 0.00001.
gnomAD v4.1: 3 of 1,603,468 alleles (0.00019%); highest among the groups gnomAD compares: African/African-American, 0.0027%; no homozygotes.

Submissions (2):

Labcorp Genetics (formerly Invitae), Labcorp
Classification: Likely benign for RYR1-related disorder. Last evaluated: 2022-01-08. Review status: criteria provided, single submitter. Criteria: Invitae Variant Classification Sherloc (09022015). Collection method: clinical testing. Allele origin: germline.

PreventionGenetics, part of Exact Sciences
Classification: Likely benign for RYR1-related condition. Last evaluated: 2022-02-28. Review status: no assertion criteria provided. Collection method: clinical testing. Allele origin: germline. Not counted in ClinVar's aggregate classification.
Comment: This variant is classified as likely benign based on ACMG/AMP sequence variant interpretation guidelines (Richards et al. 2015 PMID: 25741868, with internal and published modifications).

NM_000540.3(RYR1):c.1272A>G (p.Pro424=)

Gene: RYR1 (ryanodine receptor 1; plus strand). Cytogenetic location: 19q13.2.
Variant type: single nucleotide variant.
Coding change: c.1272A>G on transcript NM_000540.3 (MANE Select); coding-DNA position 1272, A replaced by G.
Protein change: p.Pro424=; no amino-acid change (proline 424 retained).
Molecular consequence: synonymous variant.
Genome position (GRCh38, 1-based): chr19:38,452,846, A>G. VCF-style: chr19-38452846-A-G. GRCh37 (hg19) VCF-style: chr19-38943486-A-G.
Other names: c.1272A>G, p.Pro424= (NM_001042723.2).
Identifiers: ClinVar variation 1986425 (VCV001986425.6), dbSNP rs1048238888, ClinGen allele CA308120579.
Genomic context (GRCh38, chr19:38,452,846, plus strand): 5'-CAGCCGTGGCTGACAGCTGCGAGGTCCCTGTAGGAGCCTGGACAGCTTCAGCGGGAAGCC[A>G]CGGGGCTCGGGGCCACCCGCTGGCACGGCGCTGCCCATCGAGGGCGTTATCCTGAGCCTG-3'
Protein context (NP_000531.2, residues 414-434): IKSLDSFSGK[Pro424=]RGSGPPAGTA